The following is an entry in ClinVar:

ClinVar aggregate classification (germline): Pathogenic (1 of 4 stars; one submission).

Conditions:
Inborn genetic diseases. Identifiers: MedGen C0950123, MeSH D030342.

Submission:

Ambry Genetics
Classification: Pathogenic for Inborn genetic diseases. Last evaluated: 2024-02-20. Review status: criteria provided, single submitter. Criteria: Ambry Variant Classification Scheme 2023. Collection method: clinical testing. Allele origin: germline.
Comment: The c.1532C>A (p.S511*) alteration, located in exon 8 (coding exon 6) of the GRIN2A gene, consists of a C to A substitution at nucleotide position 1532. This changes the amino acid from a serine (S) to a stop codon at amino acid position 511. This alteration is expected to result in loss of function by premature protein truncation or nonsense-mediated mRNA decay. This variant was not reported in population-based cohorts in the Genome Aggregation Database (gnomAD). Based on the available evidence, this alteration is classified as pathogenic.

NM_001134407.3(GRIN2A):c.1532C>A (p.Ser511Ter)

Gene: GRIN2A (glutamate ionotropic receptor NMDA type subunit 2A; minus strand). Cytogenetic location: 16p13.2.
Variant type: single nucleotide variant.
Coding change: c.1532C>A on transcript NM_001134407.3 (MANE Select); coding-DNA position 1532, C replaced by A.
Protein change: p.Ser511Ter; replaces serine 511 with a stop codon.
Molecular consequence: nonsense.
Genome position (GRCh38, 1-based): chr16:9,840,766, G>T on the plus strand (C>A on the coding strand, the complement: GRIN2A is on the minus strand). VCF-style: chr16-9840766-G-T. GRCh37 (hg19) VCF-style: chr16-9934623-G-T.
Other names: c.1532C>A, p.Ser511Ter (NM_000833.5, NM_001134408.2); short protein forms S511*.
Identifiers: ClinVar variation 3102467 (VCV003102467.1), dbSNP rs267604688, ClinGen allele CA394800429.